The following is an entry in ClinVar:

NM_000038.6(APC):c.5803dup (p.Gln1935fs)

Gene: APC (APC regulator of Wnt signaling pathway; plus strand). Cytogenetic location: 5q22.2.
Variant type: Duplication.
Coding change: c.5803dup on transcript NM_000038.6 (MANE Select); coding-DNA position 5803, one base duplicated (C; older notation c.5803dupC).
Protein change: p.Gln1935fs; shifts the reading frame from glutamine 1935.
Molecular consequence: frameshift variant.
Genome position (GRCh38, 1-based): chr5:112,841,397, C duplicated; the last of 4 consecutive C bases (chr5:112,841,394-112,841,397); duplicating any one gives the same sequence. VCF-style (leftmost placement, unchanged base first): chr5-112841393-T-TC. GRCh37 (hg19) VCF-style: chr5-112177090-T-TC.
Other names: c.5803dup, p.Gln1935fs (NM_001127510.3, NM_001354895.2); c.5749dup, p.Gln1917fs (NM_001127511.3); c.5857dup, p.Gln1953fs (NM_001354896.2); c.5833dup, p.Gln1945fs (NM_001354897.2); c.5728dup, p.Gln1910fs (NM_001354898.2); c.5719dup, p.Gln1907fs (NM_001354899.2); c.5680dup, p.Gln1894fs (NM_001354900.2); c.5626dup, p.Gln1876fs (NM_001354901.2); and 5 more; short protein forms Q1809fs, Q1834fs, Q1844fs, Q1910fs, Q1917fs, Q1652fs, Q1775fs, Q1876fs.
Identifiers: ClinVar variation 1458587 (VCV001458587.8), dbSNP rs1131691253, ClinGen allele CA2573138681.
Genomic context (GRCh38, chr5:112,841,393, plus strand): 5'-TGCAAAGCAGCCAATAAATCGAGGTCAGCCTAAACCCATACTTCAGAAACAATCCACTTT[T>TC]CCCCAGTCATCCAAAGACATACCAGACAGAGGGGCAGCAACTGATGAAAAGTTACAGAAT-3'

ClinVar aggregate classification (germline): Pathogenic (1 of 4 stars; one submission).

Conditions:
Familial adenomatous polyposis 1 (FAP1). Also called: POLYPOSIS, ADENOMATOUS INTESTINAL; FAMILIAL ADENOMATOUS POLYPOSIS 1, ATTENUATED. Identifiers: MedGen C2713442, MONDO:0021056, OMIM 175100. Disease mechanism: loss of function.

Submission:

Labcorp Genetics (formerly Invitae), Labcorp
Classification: Pathogenic for Familial adenomatous polyposis 1. Last evaluated: 2023-11-08. Review status: criteria provided, single submitter. Criteria: Invitae Variant Classification Sherloc (09022015). Collection method: clinical testing. Allele origin: germline.
Comment: This sequence change creates a premature translational stop signal (p.Gln1935Profs*14) in the APC gene. While this is not anticipated to result in nonsense mediated decay, it is expected to disrupt the last 909 amino acid(s) of the APC protein. This variant is not present in population databases (gnomAD no frequency). This variant has not been reported in the literature in individuals affected with APC-related conditions. ClinVar contains an entry for this variant (Variation ID: 1458587). This variant is expected to disrupt the EB1 and HDLG binding sites, which mediate interactions with the cytoskeleton (PMID: 15311282, 17293347). While functional studies have not been performed to directly test the effect on APC protein function, this suggests that disruption of the C-terminal portion of the protein is functionally important. A different truncation (p.Tyr2645Lysfs*14) that lies downstream of this variant has been determined to be pathogenic (PMID: 9824584, 1316610, 27081525, 8381579, 22135120, Invitae). This suggests that deletion of this region of the APC protein is causative of disease. For these reasons, this variant has been classified as Pathogenic.

Literature cited by the submitters: PubMed 15311282; PubMed 17293347; PubMed 9824584; PubMed 1316610; PubMed 27081525; PubMed 8381579; PubMed 22135120.